The following is an entry in ClinVar:

ClinVar aggregate classification (germline): Uncertain significance (1 of 4 stars; one submission).

gnomAD v4.1: 1 of 1,602,320 alleles (0.000062%); no homozygotes.

Submission:

CeGaT Center for Human Genetics Tuebingen
Classification: Uncertain significance. Last evaluated: 2023-08-01. Review status: criteria provided, single submitter. Criteria: CeGaT Center For Human Genetics Tuebingen Variant Classification Criteria Version 2. Collection method: clinical testing. Allele origin: germline. Affected: yes. Observed: 1 variant allele.
Comment: TTN: PM2, BP4

NM_001267550.2(TTN):c.35242G>C (p.Glu11748Gln)

Gene: TTN (titin; minus strand). Cytogenetic location: 2q31.2.
Variant type: single nucleotide variant.
Coding change: c.35242G>C on transcript NM_001267550.2 (MANE Select); coding-DNA position 35242, G replaced by C.
Protein change: p.Glu11748Gln; replaces glutamic acid 11748 with glutamine.
Molecular consequence: missense variant. On other transcripts: intron variant (3).
Genome position (GRCh38, 1-based): chr2:178,671,156, C>G on the plus strand (G>C on the coding strand, the complement: TTN is on the minus strand). VCF-style: chr2-178671156-C-G. GRCh37 (hg19) VCF-style: chr2-179535883-C-G.
Other names: c.34120G>C, p.Glu11374Gln (NM_001256850.1); c.31339G>C, p.Glu10447Gln (NM_133378.4); c.13283-28839G>C (NM_003319.4); c.13859-28839G>C (NM_133437.4); c.13658-28839G>C (NM_133432.3); short protein forms E10447Q, E11374Q, E11748Q.
Identifiers: ClinVar variation 2651664 (VCV002651664.24), dbSNP rs1457672256, ClinGen allele CA349515985.